The following is an entry in ClinVar:

NM_002294.3(LAMP2):c.1093+2230_1093+2233del

Gene: LAMP2 (lysosomal associated membrane protein 2; minus strand). Cytogenetic location: Xq24.
Variant type: Deletion.
Coding change: c.1093+2230_1093+2233del on transcript NM_002294.3 (MANE Select); bases 2230 to 2233 of the intron after coding-DNA position 1093, 4 bases deleted (CAAA; older notation c.1093+2230_1093+2233delCAAA).
Molecular consequence: intron variant.
Genome position (GRCh38, 1-based): chrX:120,439,497-120,439,500, TTTG deleted on the plus strand (CAAA on the coding strand, the reverse complement: LAMP2 is on the minus strand); deleting any 4 consecutive bases within chrX:120,439,497-120,439,503 gives the same sequence; the c. name uses the placement nearest the transcript's 3' end. VCF-style (leftmost placement, unchanged base first): chrX-120439496-ATTTG-A. GRCh37 (hg19) VCF-style: chrX-119573351-ATTTG-A.
Other names: c.1093+2230_1093+2233del (NM_001122606.1); c.1094-207_1094-204del (NM_013995.2).
Identifiers: ClinVar variation 675319 (VCV000675319.1), dbSNP rs68126940, ClinGen allele CA335012935.

ClinVar aggregate classification (germline): Benign (1 of 4 stars; one submission).

Submission:

GeneDx
Classification: Benign. Last evaluated: 2018-06-14. Review status: criteria provided, single submitter. Criteria: GeneDx Variant Classification (06012015). Collection method: clinical testing. Allele origin: germline. Affected: yes.
Comment: This variant is considered likely benign or benign based on one or more of the following criteria: it is a conservative change, it occurs at a poorly conserved position in the protein, it is predicted to be benign by multiple in silico algorithms, and/or has population frequency not consistent with disease.